The following is an entry in ClinVar:

ClinVar aggregate classification (germline): Benign/Likely benign. Review status: criteria provided, multiple submitters, no conflicts (2 of 4 stars). 9 submissions from 9 submitters: Benign (2); Likely benign (5). 2 of the submissions do not count toward it. Last evaluated 2026-02-03.

Conditions:
Aortic aneurysm, familial thoracic 7 (AAT7). Also called: AORTIC DISSECTION, FAMILIAL, WITH OR WITHOUT AORTIC ANEURYSM. Identifiers: MedGen C3151077, MONDO:0013418, OMIM 613780.
Familial thoracic aortic aneurysm and aortic dissection (TAAD). Also called: Thoracic aortic aneurysms and dissections. Identifiers: Orphanet 91387, MedGen C4707243, MONDO:0019625.

Submissions (9):

Labcorp Genetics (formerly Invitae), Labcorp
Classification: Likely benign for Aortic aneurysm, familial thoracic 7. Last evaluated: 2026-02-03. Review status: criteria provided, single submitter. Criteria: Invitae Variant Classification Sherloc (09022015). Collection method: clinical testing. Allele origin: germline.

ARUP Laboratories, Molecular Genetics and Genomics, ARUP Laboratories
Classification: Likely benign. Last evaluated: 2025-01-17. Review status: criteria provided, single submitter. Criteria: ARUP Molecular Germline Variant Investigation Process 2024. Collection method: clinical testing. Allele origin: germline.

Blueprint Genetics
Classification: Likely benign. Last evaluated: 2024-11-22. Review status: criteria provided, single submitter. Criteria: ACMG Guidelines, 2015. Collection method: clinical testing. Allele origin: germline.

Women's Health and Genetics/Laboratory Corporation of America, LabCorp
Classification: Benign. Last evaluated: 2022-04-09. Review status: criteria provided, single submitter. Criteria: LabCorp Variant Classification Summary - May 2015. Collection method: clinical testing. Allele origin: germline.

CHEO Genetics Diagnostic Laboratory, Children's Hospital of Eastern Ontario
Classification: Benign for Familial thoracic aortic aneurysm and aortic dissection. Last evaluated: 2022-02-22. Review status: criteria provided, single submitter. Criteria: ACMG Guidelines, 2015. Collection method: clinical testing. Allele origin: germline.

GeneDx
Classification: Likely benign. Last evaluated: 2018-03-12. Review status: criteria provided, single submitter. Criteria: GeneDx Variant Classification (06012015). Collection method: clinical testing. Allele origin: germline. Affected: yes.
Comment: This variant is considered likely benign or benign based on one or more of the following criteria: it is a conservative change, it occurs at a poorly conserved position in the protein, it is predicted to be benign by multiple in silico algorithms, and/or has population frequency not consistent with disease.

PreventionGenetics, part of Exact Sciences
Classification: Likely benign. Review status: criteria provided, single submitter. Criteria: ACMG Guidelines, 2015. Collection method: clinical testing. Allele origin: germline.

Genome Diagnostics Laboratory, Amsterdam University Medical Center
Classification: Likely benign. Review status: no assertion criteria provided. Collection method: clinical testing. Allele origin: germline. Affected: yes. Study: VKGL Data-share Consensus. Not counted in ClinVar's aggregate classification.

Genome Diagnostics Laboratory, University Medical Center Utrecht
Classification: Benign. Review status: no assertion criteria provided. Collection method: clinical testing. Allele origin: germline. Affected: yes. Study: VKGL Data-share Consensus. Not counted in ClinVar's aggregate classification.

NM_053025.4(MYLK):c.588+13_588+16del

Gene: MYLK (myosin light chain kinase; minus strand). Cytogenetic location: 3q21.1.
Variant type: Microsatellite.
Coding change: c.588+13_588+16del on transcript NM_053025.4 (MANE Select); bases 13 to 16 of the intron after coding-DNA position 588, 4 bases deleted (TCTG; older notation c.588+13_588+16delTCTG).
Molecular consequence: intron variant.
Genome position (GRCh38, 1-based): chr3:123,738,881-123,738,884, CAGA deleted on the plus strand (TCTG on the coding strand, the reverse complement: MYLK is on the minus strand); deleting any 4 consecutive bases within chr3:123,738,881-123,738,888 gives the same sequence; the c. name uses the placement nearest the transcript's 3' end. VCF-style (leftmost placement, unchanged base first): chr3-123738880-GCAGA-G. GRCh37 (hg19) VCF-style: chr3-123457727-GCAGA-G.
Other names: c.588+13_588+16delTCTG (NM_053025.3); c.60+13_60+16del (NM_001321309.2); c.588+13_588+16del (NM_053028.4, NM_053026.4, NM_053027.4 and 1 more transcripts).
Identifiers: ClinVar variation 262293 (VCV000262293.20), dbSNP rs570821069, ClinGen allele CA2577985.
Genomic context (GRCh38, chr3:123,738,880, plus strand): 5'-TCTCGGGTATGTCTATTAGCAGCATGAGAACAGACTAATACAGGCTGGATCAGGGTCAGG[GCAGA>G]CAGAAACCTCACCTTGAGCCAGGTGACCTGCGGTTGGGGCCGGCCAGTGATCTTGCAGGA-3'